The following is an entry in ClinVar:

NM_003722.5(TP63):c.695A>C (p.Lys232Thr)

Gene: TP63 (tumor protein p63; plus strand). Cytogenetic location: 3q28.
Variant type: single nucleotide variant.
Coding change: c.695A>C on transcript NM_003722.5 (MANE Select); coding-DNA position 695, A replaced by C.
Protein change: p.Lys232Thr; replaces lysine 232 with threonine.
Molecular consequence: missense variant.
Genome position (GRCh38, 1-based): chr3:189,864,347, A>C. VCF-style: chr3-189864347-A-C. GRCh37 (hg19) VCF-style: chr3-189582136-A-C.
Other names: c.695A>C, p.Lys232Thr (NM_001114978.2, NM_001114979.2, NM_001329144.2 and 1 more transcripts); c.413A>C, p.Lys138Thr (NM_001114980.2, NM_001114981.2, NM_001114982.2 and 2 more transcripts); c.158A>C, p.Lys53Thr (NM_001329146.2, NM_001329150.2); c.689A>C, p.Lys230Thr (NM_001329964.2); c.695A>C (NM_003722.4); short protein forms K138T, K230T, K232T, K53T.
Identifiers: ClinVar variation 4526614 (VCV004526614.2).

ClinVar aggregate classification (germline): Uncertain significance. Review status: criteria provided, multiple submitters, no conflicts (2 of 4 stars). 2 submissions from 2 submitters: Uncertain significance (2). Last evaluated 2025-11-04.

Conditions:
Split hand-foot malformation 4. Also called: Split-Hand/Foot Malformation Type 4 (SHFM4 syndrome); Split-Hand/Foot Malformation Type 4 (SHFM4). Identifiers: Orphanet 2440, MedGen C1854442, MONDO:0011535, OMIM 605289.

Submissions (2):

Institute of Medical Genetics and Applied Genomics, University Hospital Tübingen
Classification: Uncertain significance for Split hand-foot malformation 4. Last evaluated: 2025-11-04. Review status: criteria provided, single submitter. Criteria: ACMG Guidelines, 2015. Collection method: clinical testing. Allele origin: germline. Inheritance: Autosomal dominant inheritance. Affected: yes.

GeneDx
Classification: Uncertain significance. Last evaluated: 2025-05-20. Review status: criteria provided, single submitter. Criteria: GeneDx Variant Classification Process June 2021. Collection method: clinical testing. Allele origin: germline. Affected: yes.
Comment: Not observed at significant frequency in large population cohorts (gnomAD); In silico analysis supports that this missense variant has a deleterious effect on protein structure/function; Has not been previously published as pathogenic or benign to our knowledge; This variant is associated with the following publications: (PMID: 17224651, 21652629)